The following is an entry in ClinVar:

ClinVar aggregate classification (germline): Uncertain significance (1 of 4 stars; one submission).

Allele frequency attached by ClinVar (database versions not stated): gnomAD 0.00002; TOPMed 0.00002; ESP Exome Variant Server 0.00008.
gnomAD v4.1: 63 of 1,612,506 alleles (0.0039%); highest among the groups gnomAD compares: Non-Finnish European, 0.0049%; no homozygotes.

Submission:

Labcorp Genetics (formerly Invitae), Labcorp
Classification: Uncertain significance. Last evaluated: 2025-12-15. Review status: criteria provided, single submitter. Criteria: Invitae Variant Classification Sherloc (09022015). Collection method: clinical testing. Allele origin: germline.
Comment: This sequence change replaces arginine, which is basic and polar, with glutamine, which is neutral and polar, at codon 752 of the TNNI3K protein (p.Arg752Gln). This variant is present in population databases (rs375373524, gnomAD 0.004%). This variant has not been reported in the literature in individuals affected with TNNI3K-related conditions. ClinVar contains an entry for this variant (Variation ID: 1433273). An algorithm developed to predict the effect of missense changes on protein structure and function outputs the following: PolyPhen-2: "Benign". The glutamine amino acid residue is found in multiple mammalian species, which suggests that this missense change does not adversely affect protein function. Algorithms developed to predict the effect of sequence changes on RNA splicing suggest that this variant may create or strengthen a splice site. In summary, the available evidence is currently insufficient to determine the role of this variant in disease. Therefore, it has been classified as a Variant of Uncertain Significance.

NM_015978.3(TNNI3K):c.2255G>A (p.Arg752Gln)

Genes: FPGT-TNNI3K (FPGT-TNNI3K readthrough; plus strand), LRRC53 (leucine rich repeat containing 53; minus strand), TNNI3K (TNNI3 interacting kinase; plus strand). Cytogenetic location: 1p31.1.
Variant type: single nucleotide variant.
Coding change: c.2255G>A on transcript NM_015978.3 (MANE Select); coding-DNA position 2255, G replaced by A.
Protein change: p.Arg752Gln; replaces arginine 752 with glutamine.
Molecular consequence: missense variant. On other transcripts: intron variant (2).
Genome position (GRCh38, 1-based): chr1:74,492,170, G>A. VCF-style: chr1-74492170-G-A. GRCh37 (hg19) VCF-style: chr1-74957854-G-A.
Other names: c.2558G>A, p.Arg853Gln (NM_001112808.3); c.-8-11202C>T (NM_001364666.2); c.-26-8795C>T (NM_001382280.1); short protein forms R853Q, R752Q.
Identifiers: ClinVar variation 1433273 (VCV001433273.6), dbSNP rs375373524, ClinGen allele CA909830.